The following is an entry in ClinVar:

NM_058216.3(RAD51C):c.561_562del (p.His187fs)

Gene: RAD51C (RAD51 paralog C; plus strand). Cytogenetic location: 17q22.
Variant type: Microsatellite.
Coding change: c.561_562del on transcript NM_058216.3 (MANE Select); coding-DNA positions 561 to 562, 2 bases deleted (CA; older notation c.561_562delCA).
Protein change: p.His187fs; shifts the reading frame from histidine 187.
Molecular consequence: frameshift variant.
Genome position (GRCh38, 1-based): chr17:58,696,849-58,696,850, CA deleted; deleting any 2 consecutive bases within chr17:58,696,846-58,696,850 gives the same sequence; the c. name uses the placement nearest the transcript's 3' end. VCF-style (leftmost placement, unchanged base first): chr17-58696845-AAC-A. GRCh37 (hg19) VCF-style: chr17-56774206-AAC-A.
Other names: short protein forms H187fs.
Identifiers: ClinVar variation 372486 (VCV000372486.17), dbSNP rs1057517812, ClinGen allele CA16043132.

ClinVar aggregate classification (germline): Pathogenic/Likely pathogenic. Review status: criteria provided, multiple submitters, no conflicts (2 of 4 stars). 6 submissions from 6 submitters: Pathogenic (3); Likely pathogenic (1). 2 of the submissions do not count toward it. Last evaluated 2024-12-02.

Conditions:
Breast-ovarian cancer, familial, susceptibility to, 3. Also called: RAD51C-Related Breast/Ovarian Cancer. Identifiers: Orphanet 145, MedGen C3150659, MONDO:0013253, OMIM 613399.
Hereditary cancer-predisposing syndrome. Also called: Tumor predisposition; Hereditary Cancer Syndrome; Hereditary neoplastic syndrome; Neoplastic Syndromes, Hereditary. Identifiers: Orphanet 140162, MedGen C0027672, MeSH D009386, MONDO:0015356.
Fanconi anemia complementation group O. Also called: RAD51C-Related Fanconi Anemia. Identifiers: Orphanet 84, MedGen C3150653, MONDO:0013248, OMIM 613390.

Submissions (6):

Labcorp Genetics (formerly Invitae), Labcorp
Classification: Pathogenic for Fanconi anemia complementation group O. Last evaluated: 2024-12-02. Review status: criteria provided, single submitter. Criteria: Invitae Variant Classification Sherloc (09022015). Collection method: clinical testing. Allele origin: germline.
Comment: This sequence change creates a premature translational stop signal (p.His187Glnfs*15) in the RAD51C gene. It is expected to result in an absent or disrupted protein product. Loss-of-function variants in RAD51C are known to be pathogenic (PMID: 20400964, 21990120, 24800917, 29278735). This variant is not present in population databases (gnomAD no frequency). This variant has not been reported in the literature in individuals affected with RAD51C-related conditions. ClinVar contains an entry for this variant (Variation ID: 372486). For these reasons, this variant has been classified as Pathogenic.

Ambry Genetics
Classification: Pathogenic for Hereditary cancer-predisposing syndrome. Last evaluated: 2024-10-28. Review status: criteria provided, single submitter. Criteria: Ambry Variant Classification Scheme 2023. Collection method: clinical testing. Allele origin: germline.
Comment: The c.561_562delCA pathogenic mutation, located in coding exon 3 of the RAD51C gene, results from a deletion of two nucleotides at nucleotide positions 561 to 562, causing a translational frameshift with a predicted alternate stop codon (p.H187Qfs*15). This variant was reported in 1/60,466 breast cancer cases and in 0/53,461 controls (Dorling et al. N Engl J Med. 2021 02;384:428-439). This variant is considered to be rare based on population cohorts in the Genome Aggregation Database (gnomAD). In addition to the clinical data presented in the literature, this alteration is expected to result in loss of function by premature protein truncation or nonsense-mediated mRNA decay. As such, this alteration is interpreted as a disease-causing mutation.

Myriad Genetics, Inc.
Classification: Pathogenic for Breast-ovarian cancer, familial, susceptibility to, 3. Last evaluated: 2024-01-03. Review status: criteria provided, single submitter. Criteria: Myriad Autosomal Dominant, Autosomal Recessive and X-Linked Classification Criteria (2023). Collection method: clinical testing. Allele origin: unknown.
Comment: This variant is considered pathogenic. This variant creates a frameshift predicted to result in premature protein truncation.

GeneDx
Classification: Likely pathogenic. Last evaluated: 2017-09-06. Review status: criteria provided, single submitter. Criteria: GeneDx Variant Classification (06012015). Collection method: clinical testing. Allele origin: germline. Affected: yes.
Comment: This deletion of 2 nucleotides in RAD51C is denoted c.561_562delCA at the cDNA level and p.His187GlnfsX15 (H187QfsX15) at the protein level. The normal sequence, with the bases that are deleted in braces, is AACA[CA]AGGG. The deletion causes a frameshift which changes a Histidine to a Glutamine at codon 187, and creates a premature stop codon at position 15 of the new reading frame. Although this variant has not, to our knowledge, been reported in the literature, it is predicted to cause loss of normal protein function through either protein truncation or nonsense-mediated mRNA decay. Based on the currently available information, we consider this deletion to be a likely pathogenic variant.

Diagnostic Laboratory, Department of Genetics, University Medical Center Groningen
Classification: Pathogenic. Review status: no assertion criteria provided. Collection method: clinical testing. Allele origin: germline. Affected: yes. Study: VKGL Data-share Consensus. Not counted in ClinVar's aggregate classification.

Joint Genome Diagnostic Labs from Nijmegen and Maastricht, Radboudumc and MUMC+
Classification: Pathogenic. Review status: no assertion criteria provided. Collection method: clinical testing. Allele origin: germline. Affected: yes. Study: VKGL Data-share Consensus. Not counted in ClinVar's aggregate classification.

Literature cited by the submitters: PubMed 20400964 (cited by Labcorp Genetics (formerly Invitae), Labcorp); PubMed 21990120 (cited by Labcorp Genetics (formerly Invitae), Labcorp); PubMed 24800917 (cited by Labcorp Genetics (formerly Invitae), Labcorp); PubMed 29278735 (cited by Labcorp Genetics (formerly Invitae), Labcorp); PubMed 33471991 (cited by Ambry Genetics).